The following is an entry in ClinVar:

ClinVar aggregate classification (germline): Benign. Review status: criteria provided, multiple submitters, no conflicts (2 of 4 stars). 3 submissions from 3 submitters: Benign (3). Last evaluated 2018-01-13.

Conditions:
Hereditary spastic paraplegia 13 (SPG13). Also called: Spastic paraplegia 13; SPASTIC PARAPLEGIA 13, AUTOSOMAL DOMINANT. Identifiers: Orphanet 100994, MedGen C1854467, MONDO:0011532, OMIM 605280.

Allele frequency attached by ClinVar (database versions not stated): gnomAD exomes 0.07353; 1000 Genomes Project 0.23323; gnomAD 0.23439 and 0.23875; 1000 Genomes Project 30x 0.23548; TOPMed 0.24642.
gnomAD v4.1: 35,665 of 152,230 alleles (23%); highest among the groups gnomAD compares: African/African-American, 34%; 4,576 homozygotes.

Submissions (3):

Illumina Laboratory Services, Illumina
Classification: Benign for Hereditary spastic paraplegia 13. Last evaluated: 2018-01-13. Review status: criteria provided, single submitter. Criteria: ICSL Variant Classification Criteria 13 December 2019. Collection method: clinical testing. Allele origin: germline.
Comment: This variant was observed in the ICSL laboratory as part of a predisposition screen in an ostensibly healthy population. It had not been previously curated by ICSL or reported in the Human Gene Mutation Database (HGMD: prior to June 1st, 2018), and was therefore a candidate for classification through an automated scoring system. Utilizing variant allele frequency, disease prevalence and penetrance estimates, and inheritance mode, an automated score was calculated to assess if this variant is too frequent to cause the disease. Based on the score and internal cut-off values, a variant classified as benign is not then subjected to further curation. The score for this variant resulted in a classification of benign for this disease.

GeneDx
Classification: Benign. Last evaluated: 2013-09-05. Review status: criteria provided, single submitter. Criteria: GeneDx Variant Classification (06012015). Collection method: clinical testing. Allele origin: germline. Affected: yes.
Comment: This variant is considered likely benign or benign based on one or more of the following criteria: it is a conservative change, it occurs at a poorly conserved position in the protein, it is predicted to be benign by multiple in silico algorithms, and/or has population frequency not consistent with disease.

Breakthrough Genomics
Classification: Benign. Review status: criteria provided, single submitter. Criteria: ACMG Guidelines, 2015. Collection method: not provided. Allele origin: germline. Inheritance: Autosomal recessive inheritance. Affected: yes.

NM_002156.5(HSPD1):c.-15C>T

Genes: HSPD1 (heat shock protein family D (Hsp60) member 1; minus strand), LOC129935358 (ATAC-STARR-seq lymphoblastoid silent region 12213; plus strand). Cytogenetic location: 2q33.1.
Variant type: single nucleotide variant.
Coding change: c.-15C>T on transcript NM_002156.5 (MANE Select); 15 bases upstream of the start codon, C replaced by T.
Molecular consequence: 5 prime UTR variant. On other transcripts: intron variant (1).
Genome position (GRCh38, 1-based): chr2:197,499,794, G>A on the plus strand (C>T on the coding strand, the complement: HSPD1 is on the minus strand). VCF-style: chr2-197499794-G-A. GRCh37 (hg19) VCF-style: chr2-198364518-G-A.
Other names: c.-3+366C>T (NM_199440.2).
Identifiers: ClinVar variation 137567 (VCV000137567.6), dbSNP rs13165, ClinGen allele CA291203.
Genomic context (GRCh38, chr2:197,499,794, plus strand): 5'-TCGGGGGTCGCAGGAGCCGGGGGGAGGTGGTGCGGGAAGGCCGCGTACCTGCGGGGCGGC[G>A]GCAAGGCGTGCGCTCGGCGAGACAGGTCGTCGGCGGCGAGTGAGGGACAGAGTGCAGGGC-3'